The following is an entry in ClinVar:

ClinVar aggregate classification (germline): Likely pathogenic (1 of 4 stars; one submission).

Submission:

GeneDx
Classification: Likely pathogenic. Last evaluated: 2026-01-09. Review status: criteria provided, single submitter. Criteria: GeneDx Variant Classification Process June 2021. Collection method: clinical testing. Allele origin: germline.
Comment: Not observed at significant frequency in large population cohorts (gnomAD); In silico analysis supports that this missense variant has a deleterious effect on protein structure/function; Has not been previously published as pathogenic or benign to our knowledge

NM_001145809.2(MYH14):c.4412A>C (p.Glu1471Ala)

Gene: MYH14 (myosin heavy chain 14; plus strand). Cytogenetic location: 19q13.33.
Variant type: single nucleotide variant.
Coding change: c.4412A>C on transcript NM_001145809.2 (MANE Select); coding-DNA position 4412, A replaced by C.
Protein change: p.Glu1471Ala; replaces glutamic acid 1471 with alanine.
Molecular consequence: missense variant.
Genome position (GRCh38, 1-based): chr19:50,281,715, A>C. VCF-style: chr19-50281715-A-C. GRCh37 (hg19) VCF-style: chr19-50784972-A-C.
Other names: c.4313A>C, p.Glu1438Ala (NM_001077186.2); c.4289A>C, p.Glu1430Ala (NM_024729.4); short protein forms E1430A, E1438A, E1471A.
Identifiers: ClinVar variation 1801156 (VCV001801156.2), dbSNP rs2123423816, ClinGen allele CA406958175.